The following is an entry in ClinVar:

NM_052867.4(NALCN):c.1909T>A (p.Phe637Ile)

Gene: NALCN (sodium leak channel, non-selective; minus strand). Cytogenetic location: 13q33.1.
Variant type: single nucleotide variant.
Coding change: c.1909T>A on transcript NM_052867.4 (MANE Select); coding-DNA position 1909, T replaced by A.
Protein change: p.Phe637Ile; replaces phenylalanine 637 with isoleucine.
Molecular consequence: missense variant.
Genome position (GRCh38, 1-based): chr13:101,144,827, A>T on the plus strand (T>A on the coding strand, the complement: NALCN is on the minus strand). VCF-style: chr13-101144827-A-T. GRCh37 (hg19) VCF-style: chr13-101797178-A-T.
Other names: c.1909T>A, p.Phe637Ile (NM_001350748.2, NM_001350749.2); c.1822T>A, p.Phe608Ile (NM_001350750.2, NM_001350751.2); short protein forms F608I, F637I.
Identifiers: ClinVar variation 3665533 (VCV003665533.2).

ClinVar aggregate classification (germline): Uncertain significance (1 of 4 stars; one submission).

gnomAD v4.1: 5 of 1,613,584 alleles (0.00031%); highest among the groups gnomAD compares: South Asian, 0.0044%; no homozygotes.

Submission:

Labcorp Genetics (formerly Invitae), Labcorp
Classification: Uncertain significance. Last evaluated: 2024-12-05. Review status: criteria provided, single submitter. Criteria: Invitae Variant Classification Sherloc (09022015). Collection method: clinical testing. Allele origin: germline.
Comment: This sequence change replaces phenylalanine, which is neutral and non-polar, with isoleucine, which is neutral and non-polar, at codon 637 of the NALCN protein (p.Phe637Ile). This variant is present in population databases (rs769289961, gnomAD no frequency). This variant has not been reported in the literature in individuals affected with NALCN-related conditions. Invitae Evidence Modeling of protein sequence and biophysical properties (such as structural, functional, and spatial information, amino acid conservation, physicochemical variation, residue mobility, and thermodynamic stability) indicates that this missense variant is expected to disrupt NALCN protein function with a positive predictive value of 80%. In summary, the available evidence is currently insufficient to determine the role of this variant in disease. Therefore, it has been classified as a Variant of Uncertain Significance.